The following is an entry in ClinVar:

ClinVar aggregate classification (germline): Uncertain significance (1 of 4 stars; one submission).

Submission:

Labcorp Genetics (formerly Invitae), Labcorp
Classification: Uncertain significance. Last evaluated: 2021-12-22. Review status: criteria provided, single submitter. Criteria: Invitae Variant Classification Sherloc (09022015). Collection method: clinical testing. Allele origin: germline.
Comment: Algorithms developed to predict the effect of missense changes on protein structure and function output the following: SIFT: "Tolerated"; PolyPhen-2: "Benign"; Align-GVGD: "Class C0". The leucine amino acid residue is found in multiple mammalian species, which suggests that this missense change does not adversely affect protein function. In summary, the available evidence is currently insufficient to determine the role of this variant in disease. Therefore, it has been classified as a Variant of Uncertain Significance. This variant has not been reported in the literature in individuals affected with DMXL2-related conditions. This variant is not present in population databases (gnomAD no frequency). This sequence change replaces proline, which is neutral and non-polar, with leucine, which is neutral and non-polar, at codon 589 of the DMXL2 protein (p.Pro589Leu).

NM_001378457.1(DMXL2):c.1766C>T (p.Pro589Leu)

Gene: DMXL2 (Dmx like 2; minus strand). Cytogenetic location: 15q21.2.
Variant type: single nucleotide variant.
Coding change: c.1766C>T on transcript NM_001378457.1 (MANE Select); coding-DNA position 1766, C replaced by T.
Protein change: p.Pro589Leu; replaces proline 589 with leucine.
Molecular consequence: missense variant. On other transcripts: non-coding transcript variant (2).
Genome position (GRCh38, 1-based): chr15:51,536,714, G>A on the plus strand (C>T on the coding strand, the complement: DMXL2 is on the minus strand). VCF-style: chr15-51536714-G-A. GRCh37 (hg19) VCF-style: chr15-51828911-G-A.
Other names: c.1766C>T, p.Pro589Leu (NM_001174116.3, NM_001174117.3, NM_001378458.1 and 6 more transcripts); c.1526C>T, p.Pro509Leu (NM_001378464.1); short protein forms P509L, P589L.
Identifiers: ClinVar variation 2105537 (VCV002105537.4), dbSNP rs2548607092, ClinGen allele CA392466631.
Genomic context (GRCh38, chr15:51,536,714, plus strand): 5'-GTGGGAGCTAAGATGTTCATATGTGTACTGTGGGATCTAGAGTGTGGCTGTGATCCGTGA[G>A]GACTGCCTACAGACATCCCCTCCTGGTGTAACAGCGTGTGGTGAGAATCTTTTGTCGCAT-3'
Protein context (NP_001365386.1, residues 579-599): LHQEGMSVGS[Pro589Leu]HGSQPHSRSH